The following is an entry in ClinVar:

ClinVar aggregate classification (germline): Likely pathogenic (1 of 4 stars; one submission).

Conditions:
Abetalipoproteinaemia (ABL). Also called: MTP DEFICIENCY; Abetalipoproteinemia; Abetalipoproteinemia neuropathy; Apolipoprotein B deficiency; Congenital betalipoprotein deficiency syndrome. Identifiers: Orphanet 14, MedGen C0000744, MONDO:0008692, OMIM 200100, HP:0008181.

Submission:

Myriad Genetics, Inc.
Classification: Likely pathogenic for Abetalipoproteinaemia. Last evaluated: 2022-01-02. Review status: criteria provided, single submitter. Criteria: Myriad Women's Health Autosomal Recessive and X-Linked Classification Criteria (2021). Collection method: clinical testing. Allele origin: unknown.
Comment: NM_000253.2(MTTP):c.1964_1965delGG(G655Efs*7) is expected to be pathogenic in the context of abetalipoproteinemia. This variant is predicted to lead to an abnormal or absent protein product due to the creation of a premature termination codon in MTTP, a gene where loss-of-function variants are known to be pathogenic. Please note: this variant was assessed in the context of healthy population screening.

NM_001386140.1(MTTP):c.1964_1965del (p.Gly655fs)

Gene: MTTP (microsomal triglyceride transfer protein; plus strand). Cytogenetic location: 4q23.
Variant type: Deletion.
Coding change: c.1964_1965del on transcript NM_001386140.1 (MANE Select); coding-DNA positions 1964 to 1965, 2 bases deleted (GG; older notation c.1964_1965delGG).
Protein change: p.Gly655fs; shifts the reading frame from glycine 655.
Molecular consequence: frameshift variant.
Genome position (GRCh38, 1-based): chr4:99,611,428-99,611,429, GG deleted; deleting any 2 consecutive bases within chr4:99,611,427-99,611,429 gives the same sequence; the c. name uses the placement nearest the transcript's 3' end. VCF-style (leftmost placement, unchanged base first): chr4-99611426-TGG-T. GRCh37 (hg19) VCF-style: chr4-100532583-TGG-T.
Other names: c.1964_1965del, p.Gly655fs (NM_000253.4); c.1715_1716del, p.Gly572fs (NM_001300785.2); short protein forms G572fs, G655fs.
Identifiers: ClinVar variation 1726882 (VCV001726882.2), dbSNP rs2476146079, ClinGen allele CA2580071916.